The following is an entry in ClinVar:

NM_001126108.2(SLC12A3):c.539C>G (p.Thr180Arg)

Gene: SLC12A3 (solute carrier family 12 member 3; plus strand). Cytogenetic location: 16q13.
Variant type: single nucleotide variant.
Coding change: c.539C>G on transcript NM_001126108.2 (MANE Select); coding-DNA position 539, C replaced by G.
Protein change: p.Thr180Arg; replaces threonine 180 with arginine.
Molecular consequence: missense variant.
Genome position (GRCh38, 1-based): chr16:56,869,762, C>G. VCF-style: chr16-56869762-C-G. GRCh37 (hg19) VCF-style: chr16-56903674-C-G.
Other names: c.539C>G, p.Thr180Arg (NM_000339.3); c.536C>G, p.Thr179Arg (NM_001126107.2, NM_001410896.1); short protein forms T179R, T180R.
Identifiers: ClinVar variation 5042557 (VCV005042557.1).
Genomic context (GRCh38, chr16:56,869,762, plus strand): 5'-TGCCTAAGCTTTGGGTGCCCCCTGCAGTCCTGACCTGGATCATCATCCTGCTGTCGGTCA[C>G]GGTGACCTCCATCACAGGCCTCTCCATCTCAGCCATCTCCACCAATGGCAAGGTCAAGTC-3'
Protein context (NP_001119580.2, residues 170-190): LTWIIILLSV[Thr180Arg]VTSITGLSIS

ClinVar aggregate classification (germline): Likely pathogenic (1 of 4 stars; one submission).

Conditions:
Familial hypokalemia-hypomagnesemia (GTLMNS). Also called: gitelman syndrome; HYPOMAGNESEMIA-HYPOKALEMIA, PRIMARY RENOTUBULAR, WITH HYPOCALCIURIA; POTASSIUM AND MAGNESIUM DEPLETION. Identifiers: Orphanet 358, MedGen C0268450, MONDO:0009904, OMIM 263800.

gnomAD v4.1: 2 of 1,614,170 alleles (0.00012%); highest among the groups gnomAD compares: Non-Finnish European, 0.00017%; no homozygotes.

Submission:

UAEU Genomics Laboratory, United Arab Emirates University
Classification: Likely pathogenic for Familial hypokalemia-hypomagnesemia. Last evaluated: 2024-02-01. Review status: criteria provided, single submitter. Criteria: ACMG Guidelines, 2015. Collection method: research. Allele origin: germline. Affected: yes. Observed: 1 variant allele.
Comment: PM2, PP3, PM5, PP4